The following is an entry in ClinVar:

ClinVar aggregate classification (germline): Uncertain significance. Review status: criteria provided, multiple submitters, no conflicts (2 of 4 stars). 2 submissions from 2 submitters: Uncertain significance (2). Last evaluated 2025-07-02.

Conditions:
Familial cold autoinflammatory syndrome 3 (FCAS3). Also called: FAMILIAL ATYPICAL COLD URTICARIA; ANTIBODY DEFICIENCY AND IMMUNE DYSREGULATION, PLCG2-ASSOCIATED. Identifiers: Orphanet 300359, MedGen C3280914, MONDO:0013766, OMIM 614468.

Allele frequency attached by ClinVar (database versions not stated): gnomAD 0.00001; gnomAD exomes 0.00001; TOPMed 0.00001.

Submissions (2):

Labcorp Genetics (formerly Invitae), Labcorp
Classification: Uncertain significance for Familial cold autoinflammatory syndrome 3. Last evaluated: 2025-07-02. Review status: criteria provided, single submitter. Criteria: Invitae Variant Classification Sherloc (09022015). Collection method: clinical testing. Allele origin: germline.
Comment: This sequence change replaces arginine, which is basic and polar, with cysteine, which is neutral and slightly polar, at codon 792 of the PLCG2 protein (p.Arg792Cys). This variant is not present in population databases (gnomAD no frequency). This variant has not been reported in the literature in individuals affected with PLCG2-related conditions. ClinVar contains an entry for this variant (Variation ID: 1013108). An algorithm developed to predict the effect of missense changes on protein structure and function (PolyPhen-2) suggests that this variant is likely to be disruptive. In summary, the available evidence is currently insufficient to determine the role of this variant in disease. Therefore, it has been classified as a Variant of Uncertain Significance.

CeGaT Center for Human Genetics Tuebingen
Classification: Uncertain significance. Last evaluated: 2020-10-01. Review status: criteria provided, single submitter. Criteria: CeGaT Center For Human Genetics Tuebingen Variant Classification Criteria Version 2. Collection method: clinical testing. Allele origin: germline. Affected: yes. Observed: 1 variant allele.

NM_002661.5(PLCG2):c.2374C>T (p.Arg792Cys)

Gene: PLCG2 (phospholipase C gamma 2; plus strand). Cytogenetic location: 16q23.3.
Variant type: single nucleotide variant.
Coding change: c.2374C>T on transcript NM_002661.5 (MANE Select); coding-DNA position 2374, C replaced by T.
Protein change: p.Arg792Cys; replaces arginine 792 with cysteine.
Molecular consequence: missense variant.
Genome position (GRCh38, 1-based): chr16:81,923,551, C>T. VCF-style: chr16-81923551-C-T. GRCh37 (hg19) VCF-style: chr16-81957156-C-T.
Other names: short protein forms R792C.
Identifiers: ClinVar variation 1013108 (VCV001013108.43), dbSNP rs983424200, ClinGen allele CA285172210.
Genomic context (GRCh38, chr16:81,923,551, plus strand): 5'-AGAACCGTGAAAGCTCTGTATGACTACAAAGCCAAGCGAAGCGATGAGCTGAGCTTCTGC[C>T]GTGGTGCCCTCATCCACAATGTCTCCAAGGAGCCCGGGGGCTGGTAAGGCTGAGTGGAGG-3'
Protein context (NP_002652.2, residues 782-802): AKRSDELSFC[Arg792Cys]GALIHNVSKE